The following is an entry in ClinVar:

NM_000135.4(FANCA):c.1413C>T (p.Val471=)

Gene: FANCA (FA complementation group A; minus strand). Cytogenetic location: 16q24.3.
Variant type: single nucleotide variant.
Coding change: c.1413C>T on transcript NM_000135.4 (MANE Select); coding-DNA position 1413, C replaced by T.
Protein change: p.Val471=; no amino-acid change (valine 471 retained).
Molecular consequence: synonymous variant.
Genome position (GRCh38, 1-based): chr16:89,784,911, G>A on the plus strand (C>T on the coding strand, the complement: FANCA is on the minus strand). VCF-style: chr16-89784911-G-A. GRCh37 (hg19) VCF-style: chr16-89851319-G-A.
Other names: c.1413C>T, p.Val471= (NM_001286167.3); c.1413C>T (NM_000135.3).
Identifiers: ClinVar variation 699005 (VCV000699005.22), dbSNP rs201561753, ClinGen allele CA8252341.

ClinVar aggregate classification (germline): Conflicting classifications of pathogenicity. Review status: criteria provided, conflicting classifications (1 of 4 stars). 6 submissions from 6 submitters: Uncertain significance (1); Benign (1); Likely benign (2). 2 of the submissions do not count toward it. Last evaluated 2025-12-21.

Conditions:
Inborn genetic diseases. Identifiers: MedGen C0950123, MeSH D030342.
Fanconi anemia (FA). Also called: Fanconi's anemia. Identifiers: Orphanet 84, MedGen C0015625, MeSH D005199, MONDO:0019391.
Fanconi anemia complementation group A (FANCA). Also called: Fanconi anemia, group A; FANCA-Related Fanconi Anemia. Identifiers: Orphanet 84, MedGen C3469521, MONDO:0009215, OMIM 227650.
FANCA-related disorder. Also called: FANCA-related condition.

Allele frequency attached by ClinVar (database versions not stated): TOPMed 0.00013; gnomAD 0.00015 and 0.00017; 1000 Genomes Project 30x 0.00016; 1000 Genomes Project 0.00020.
gnomAD v4.1: 83 of 1,614,194 alleles (0.0051%); highest among the groups gnomAD compares: East Asian, 0.091%; no homozygotes.

Submissions (6):

Labcorp Genetics (formerly Invitae), Labcorp
Classification: Likely benign for Fanconi anemia. Last evaluated: 2025-12-21. Review status: criteria provided, single submitter. Criteria: Invitae Variant Classification Sherloc (09022015). Collection method: clinical testing. Allele origin: germline.

Quest Diagnostics Nichols Institute San Juan Capistrano
Classification: Benign. Last evaluated: 2024-12-13. Review status: criteria provided, single submitter. Criteria: Quest Diagnostics criteria. Collection method: clinical testing. Allele origin: unknown.

Ambry Genetics
Classification: Likely benign for Inborn genetic diseases. Last evaluated: 2024-10-15. Review status: criteria provided, single submitter. Criteria: Ambry Variant Classification Scheme 2023. Collection method: clinical testing. Allele origin: germline.

Illumina Laboratory Services, Illumina
Classification: Uncertain significance for Fanconi anemia complementation group A. Last evaluated: 2018-01-12. Review status: criteria provided, single submitter. Criteria: ICSL Variant Classification Criteria 13 December 2019. Collection method: clinical testing. Allele origin: germline.

PreventionGenetics, part of Exact Sciences
Classification: Likely benign for FANCA-related condition. Last evaluated: 2021-02-23. Review status: no assertion criteria provided. Collection method: clinical testing. Allele origin: germline. Not counted in ClinVar's aggregate classification.
Comment: This variant is classified as likely benign based on ACMG/AMP sequence variant interpretation guidelines (Richards et al. 2015 PMID: 25741868, with internal and published modifications).

Natera, Inc.
Classification: Likely benign for Fanconi anemia. Last evaluated: 2020-02-01. Review status: no assertion criteria provided. Collection method: clinical testing. Allele origin: germline. Not counted in ClinVar's aggregate classification.